The following is an entry in ClinVar:

NM_198129.4(LAMA3):c.5471G>A (p.Ser1824Asn)

Gene: LAMA3 (laminin subunit alpha 3; plus strand). Cytogenetic location: 18q11.2.
Variant type: single nucleotide variant.
Coding change: c.5471G>A on transcript NM_198129.4 (MANE Select); coding-DNA position 5471, G replaced by A.
Protein change: p.Ser1824Asn; replaces serine 1824 with asparagine.
Molecular consequence: missense variant.
Genome position (GRCh38, 1-based): chr18:23,894,916, G>A. VCF-style: chr18-23894916-G-A. GRCh37 (hg19) VCF-style: chr18-21474880-G-A.
Other names: c.644G>A, p.Ser215Asn (NM_000227.6, NM_001127718.4); c.5471G>A, p.Ser1824Asn (NM_001127717.4); short protein forms S1824N, S215N.
Identifiers: ClinVar variation 1516765 (VCV001516765.8), dbSNP rs377522175, ClinGen allele CA402046000.

ClinVar aggregate classification (germline): Uncertain significance (1 of 4 stars; one submission).

Allele frequency attached by ClinVar (database versions not stated): gnomAD exomes below 0.00001.
gnomAD v4.1: 1 of 1,614,198 alleles (0.000062%); highest among the groups gnomAD compares: Middle Eastern, 0.016%; no homozygotes.

Submission:

Labcorp Genetics (formerly Invitae), Labcorp
Classification: Uncertain significance. Last evaluated: 2022-11-22. Review status: criteria provided, single submitter. Criteria: Invitae Variant Classification Sherloc (09022015). Collection method: clinical testing. Allele origin: germline.
Comment: In summary, the available evidence is currently insufficient to determine the role of this variant in disease. Therefore, it has been classified as a Variant of Uncertain Significance. Algorithms developed to predict the effect of missense changes on protein structure and function are either unavailable or do not agree on the potential impact of this missense change (SIFT: "Tolerated"; PolyPhen-2: "Probably Damaging"; Align-GVGD: "Class C0"). ClinVar contains an entry for this variant (Variation ID: 1516765). This variant has not been reported in the literature in individuals affected with LAMA3-related conditions. This variant is not present in population databases (gnomAD no frequency). This sequence change replaces serine, which is neutral and polar, with asparagine, which is neutral and polar, at codon 215 of the LAMA3 protein (p.Ser215Asn).